The following is an entry in ClinVar:

NM_000188.3(HK1):c.847C>T (p.Arg283Trp)

Gene: HK1 (hexokinase 1; plus strand). Cytogenetic location: 10q22.1.
Variant type: single nucleotide variant.
Coding change: c.847C>T on transcript NM_000188.3 (MANE Select); coding-DNA position 847, C replaced by T.
Protein change: p.Arg283Trp; replaces arginine 283 with tryptophan.
Molecular consequence: missense variant.
Genome position (GRCh38, 1-based): chr10:69,369,596, C>T. VCF-style: chr10-69369596-C-T. GRCh37 (hg19) VCF-style: chr10-71129352-C-T.
Other names: c.859C>T, p.Arg287Trp (NM_001322364.2, NM_001358263.1, NM_033497.3 and 1 more transcripts); c.952C>T, p.Arg318Trp (NM_001322365.2); c.763C>T, p.Arg255Trp (NM_001322366.1); c.751C>T, p.Arg251Trp (NM_001322367.1); c.844C>T, p.Arg282Trp (NM_033496.3); c.811C>T, p.Arg271Trp (NM_033500.2); short protein forms R251W, R255W, R271W, R282W, R283W, R287W, R318W.
Identifiers: ClinVar variation 1713669 (VCV001713669.5), dbSNP rs1298482371, ClinGen allele CA376914439.

ClinVar aggregate classification (germline): Uncertain significance (1 of 4 stars; one submission).

Allele frequency attached by ClinVar (database versions not stated): gnomAD exomes below 0.00001; TOPMed below 0.00001.
gnomAD v4.1: 2 of 1,614,110 alleles (0.00012%); highest among the groups gnomAD compares: South Asian, 0.0011%; no homozygotes.

Submission:

Labcorp Genetics (formerly Invitae), Labcorp
Classification: Uncertain significance. Last evaluated: 2024-02-15. Review status: criteria provided, single submitter. Criteria: Invitae Variant Classification Sherloc (09022015). Collection method: clinical testing. Allele origin: germline.
Comment: This sequence change replaces arginine, which is basic and polar, with tryptophan, which is neutral and slightly polar, at codon 283 of the HK1 protein (p.Arg283Trp). This variant is present in population databases (no rsID available, gnomAD 0.003%). This missense change has been observed in individual(s) with clinical features of HK1-related conditions (Invitae). ClinVar contains an entry for this variant (Variation ID: 1713669). Advanced modeling of protein sequence and biophysical properties (such as structural, functional, and spatial information, amino acid conservation, physicochemical variation, residue mobility, and thermodynamic stability) performed at Invitae indicates that this missense variant is not expected to disrupt HK1 protein function with a negative predictive value of 80%. In summary, the available evidence is currently insufficient to determine the role of this variant in disease. Therefore, it has been classified as a Variant of Uncertain Significance.